The following is an entry in ClinVar:

ClinVar aggregate classification (germline): Benign. Review status: criteria provided, multiple submitters, no conflicts (2 of 4 stars). 2 submissions from 2 submitters: Benign (2). Last evaluated 2017-04-27.

Conditions:
Smith-McCort dysplasia 2 (SMC2). Identifiers: MedGen C3714896, MONDO:0014087, OMIM 615222.

Allele frequency attached by ClinVar (database versions not stated): 1000 Genomes Project 30x 0.15459; 1000 Genomes Project 0.15895; TOPMed 0.18295; gnomAD exomes 0.18750; gnomAD 0.19325 and 0.19380.
gnomAD v4.1: 29,418 of 152,064 alleles (19%); highest among the groups gnomAD compares: Non-Finnish European, 25%; 3,214 homozygotes.

Submissions (2):

Illumina Laboratory Services, Illumina
Classification: Benign for Smith-McCort dysplasia 2. Last evaluated: 2017-04-27. Review status: criteria provided, single submitter. Criteria: ICSL Variant Classification Criteria 13 December 2019. Collection method: clinical testing. Allele origin: germline.
Comment: This variant was observed as part of a predisposition screen in an ostensibly healthy population. A literature search was performed for the gene, cDNA change, and amino acid change (where applicable). No publications were found based on this search. Allele frequency data from public databases was too high to be consistent with this variant causing disease. Therefore, this variant is classified as benign.

Breakthrough Genomics
Classification: Benign. Review status: criteria provided, single submitter. Criteria: ACMG Guidelines, 2015. Collection method: not provided. Allele origin: germline. Inheritance: Autosomal recessive inheritance. Affected: yes.

NM_031296.3(RAB33B):c.*1303C>T

Gene: RAB33B (RAB33B, member RAS oncogene family; plus strand). Cytogenetic location: 4q31.1.
Variant type: single nucleotide variant.
Coding change: c.*1303C>T on transcript NM_031296.3 (MANE Select); 1303 bases downstream of the stop codon, C replaced by T.
Molecular consequence: 3 prime UTR variant.
Genome position (GRCh38, 1-based): chr4:139,474,429, C>T. VCF-style: chr4-139474429-C-T. GRCh37 (hg19) VCF-style: chr4-140395583-C-T.
Identifiers: ClinVar variation 347582 (VCV000347582.6), dbSNP rs4074940, ClinGen allele CA10617088.
Genomic context (GRCh38, chr4:139,474,429, plus strand): 5'-TAGCTTCTAGCTAACACAGGAGACCTATTCTTAGCCTTTACTAATTTCAAGCAGTGTATC[C>T]CATATGGTATCTCTTGCTCTTCCTTCAACTCCAATAAATTTAATGACTAAATGCCAAGTT-3'